The following is an entry in ClinVar:

ClinVar aggregate classification (germline): Uncertain significance. Review status: criteria provided, multiple submitters, no conflicts (2 of 4 stars). 2 submissions from 2 submitters: Uncertain significance (2). Last evaluated 2026-09-08.

Conditions:
IFT172-related disorder. Also called: IFT172-related condition; IFT172-related disorders.
Short-rib thoracic dysplasia 10 with or without polydactyly (SRTD10). Identifiers: Orphanet 474, MedGen C3810175, MONDO:0014284, OMIM 615630.
Retinitis pigmentosa 71 (RP71). Identifiers: Orphanet 791, MedGen C4225342, MONDO:0014618, OMIM 616394.

Allele frequency attached by ClinVar (database versions not stated): ExAC 0.00001.

Submissions (2):

PreventionGenetics, part of Exact Sciences
Classification: Uncertain significance for IFT172-related condition. Last evaluated: 2026-09-08. Review status: criteria provided, single submitter. Criteria: ACMG Guidelines, 2015. Collection method: clinical testing. Allele origin: germline.
Comment: The IFT172 c.4319A>G variant is predicted to result in the amino acid substitution p.Lys1440Arg. To our knowledge, this variant has not been reported in the literature. This variant is reported in 0.00088% of alleles in individuals of European (Non-Finnish) descent in gnomAD. Of note, in C. elegans an arginine (Arg) is located at the Lys1440 residue. At this time, the clinical significance of this variant is uncertain due to the absence of conclusive functional and genetic evidence.

Labcorp Genetics (formerly Invitae), Labcorp
Classification: Uncertain significance for Retinitis pigmentosa 71; Short-rib thoracic dysplasia 10 with or without polydactyly. Last evaluated: 2022-02-06. Review status: criteria provided, single submitter. Criteria: Invitae Variant Classification Sherloc (09022015). Collection method: clinical testing. Allele origin: germline.
Comment: Algorithms developed to predict the effect of missense changes on protein structure and function (SIFT, PolyPhen-2, Align-GVGD) all suggest that this variant is likely to be tolerated. This sequence change replaces lysine, which is basic and polar, with arginine, which is basic and polar, at codon 1440 of the IFT172 protein (p.Lys1440Arg). This variant is present in population databases (rs765881268, gnomAD 0.0009%). This variant has not been reported in the literature in individuals affected with IFT172-related conditions. In summary, the available evidence is currently insufficient to determine the role of this variant in disease. Therefore, it has been classified as a Variant of Uncertain Significance.

NM_015662.3(IFT172):c.4319A>G (p.Lys1440Arg)

Gene: IFT172 (intraflagellar transport 172; minus strand). Cytogenetic location: 2p23.3.
Variant type: single nucleotide variant.
Coding change: c.4319A>G on transcript NM_015662.3 (MANE Select); coding-DNA position 4319, A replaced by G.
Protein change: p.Lys1440Arg; replaces lysine 1440 with arginine.
Molecular consequence: missense variant.
Genome position (GRCh38, 1-based): chr2:27,449,024, T>C on the plus strand (A>G on the coding strand, the complement: IFT172 is on the minus strand). VCF-style: chr2-27449024-T-C. GRCh37 (hg19) VCF-style: chr2-27671891-T-C.
Other names: c.4253A>G, p.Lys1418Arg (NM_001410739.1); c.4319A>G (NM_015662.2); short protein forms K1440R, K1418R.
Identifiers: ClinVar variation 2156386 (VCV002156386.5), dbSNP rs765881268, ClinGen allele CA1579639.